The following is an entry in ClinVar:

ClinVar aggregate classification (germline): Pathogenic (1 of 4 stars; one submission).

Conditions:
Primary ciliary dyskinesia. Also called: Ciliary dyskinesia. Identifiers: Orphanet 244, MedGen C0008780, MONDO:0016575, HP:0012265.

Submission:

Ambry Genetics
Classification: Pathogenic for Primary ciliary dyskinesia. Last evaluated: 2016-07-08. Review status: criteria provided, single submitter. Criteria: Ambry Variant Classification Scheme 2023. Collection method: clinical testing. Allele origin: germline.
Comment: The c.1898_1901delGTAA pathogenic mutation, located in coding exon 14 of the CCDC39 gene, results from a deletion of 4 nucleotides at nucleotide positions 1898 to 1901, causing a translational frameshift with a predicted alternate stop codon (p.S633Kfs*5). This alteration is expected to result in loss of function by premature protein truncation or nonsense-mediated mRNA decay. As such, this alteration is interpreted as a disease-causing mutation.

NM_181426.2(CCDC39):c.1898_1901del (p.Ser633fs)

Gene: CCDC39 (coiled-coil domain 39 molecular ruler complex subunit; minus strand). Cytogenetic location: 3q26.33.
Variant type: Deletion.
Coding change: c.1898_1901del on transcript NM_181426.2 (MANE Select); coding-DNA positions 1898 to 1901, 4 bases deleted (GTAA; older notation c.1898_1901delGTAA).
Protein change: p.Ser633fs; shifts the reading frame from serine 633.
Molecular consequence: frameshift variant.
Genome position (GRCh38, 1-based): chr3:180,631,566-180,631,569, TTAC deleted on the plus strand (GTAA on the coding strand, the reverse complement: CCDC39 is on the minus strand); deleting any 4 consecutive bases within chr3:180,631,566-180,631,572 gives the same sequence; the c. name uses the placement nearest the transcript's 3' end. VCF-style (leftmost placement, unchanged base first): chr3-180631565-TTTAC-T. GRCh37 (hg19) VCF-style: chr3-180349353-TTTAC-T.
Other names: short protein forms S633fs.
Identifiers: ClinVar variation 1782193 (VCV001782193.2), dbSNP rs776301372, ClinGen allele CA2715830.